The following is an entry in ClinVar:

NM_000256.3(MYBPC3):c.1458-7C>A

Gene: MYBPC3 (myosin binding protein C3; minus strand). Cytogenetic location: 11p11.2.
Variant type: single nucleotide variant.
Coding change: c.1458-7C>A on transcript NM_000256.3 (MANE Select); 7 bases into the intron before coding-DNA position 1458, C replaced by A.
Molecular consequence: intron variant.
Genome position (GRCh38, 1-based): chr11:47,342,751, G>T on the plus strand (C>A on the coding strand, the complement: MYBPC3 is on the minus strand). VCF-style: chr11-47342751-G-T. GRCh37 (hg19) VCF-style: chr11-47364302-G-T.
Identifiers: ClinVar variation 1806622 (VCV001806622.5), dbSNP rs397515904, ClinGen allele CA2580084261.

ClinVar aggregate classification (germline): Conflicting classifications of pathogenicity. Review status: criteria provided, conflicting classifications (1 of 4 stars). 3 submissions from 3 submitters: Likely pathogenic (1); Uncertain significance (2). Last evaluated 2025-04-27.

Conditions:
MYBPC3-related disorder. Also called: MYBPC3-related condition; MYBPC3-related disease; MYBPC3-related disorders.
Hypertrophic cardiomyopathy. Also called: HYPERTROPHIC MYOCARDIOPATHY. Identifiers: Orphanet 217569, MedGen C0007194, MeSH D002312, MONDO:0005045, HP:0001639.

Submissions (3):

Labcorp Genetics (formerly Invitae), Labcorp
Classification: Uncertain significance for Hypertrophic cardiomyopathy. Last evaluated: 2025-04-27. Review status: criteria provided, single submitter. Criteria: Invitae Variant Classification Sherloc (09022015). Collection method: clinical testing. Allele origin: germline.
Comment: This sequence change falls in intron 16 of the MYBPC3 gene. It does not directly change the encoded amino acid sequence of the MYBPC3 protein. This variant is not present in population databases (gnomAD no frequency). This variant has been observed in individual(s) with personal and/or family history of MYBPC3-related conditions (PMID: 23233322, 37652022). ClinVar contains an entry for this variant (Variation ID: 1806622). Algorithms developed to predict the effect of sequence changes on RNA splicing suggest that this variant may disrupt the consensus splice site. In summary, the available evidence is currently insufficient to determine the role of this variant in disease. Therefore, it has been classified as a Variant of Uncertain Significance.

GeneDx
Classification: Uncertain significance. Last evaluated: 2022-06-22. Review status: criteria provided, single submitter. Criteria: GeneDx Variant Classification Process June 2021. Collection method: clinical testing. Allele origin: germline. Affected: yes.
Comment: Identified in a patient with hypertrophic cardiomyopathy (HCM) in the published literature (Kassem et al., 2013); Not observed at significant frequency in large population cohorts (gnomAD); In silico analysis supports a deleterious effect on splicing; This variant is associated with the following publications: (PMID: 23233322, Kassem2017[CaseReport])

Blueprint Genetics
Classification: Likely pathogenic for MYBPC3-related disorders. Last evaluated: 2019-08-26. Review status: criteria provided, single submitter. Criteria: ACMG Guidelines, 2015. Collection method: clinical testing. Allele origin: germline. Affected: yes. Observed: 1 variant allele.

Literature cited by the submitters: PubMed 23233322 (cited by Labcorp Genetics (formerly Invitae), Labcorp); PubMed 37652022 (cited by Labcorp Genetics (formerly Invitae), Labcorp).